The following is an entry in ClinVar:

ClinVar aggregate classification (germline): Uncertain significance. Review status: criteria provided, multiple submitters, no conflicts (2 of 4 stars). 3 submissions from 2 submitters: Uncertain significance (3). Last evaluated 2021-08-31.

Conditions:
Lethal Kniest-like syndrome (DDSH). Also called: Dyssegmental Dysplasia. Identifiers: Orphanet 1865, MedGen C1857100, MONDO:0009140, OMIM 224410.
Schwartz-Jampel syndrome. Also called: Myotonic myopathy dwarfism chondrodystrophy and ocular and facial abnormalities. Identifiers: Orphanet 800, MedGen C0036391, MONDO:0009717.

Allele frequency attached by ClinVar (database versions not stated): gnomAD exomes below 0.00001.
gnomAD v4.1: 2 of 1,569,632 alleles (0.00013%); highest among the groups gnomAD compares: Middle Eastern, 0.017%; no homozygotes.

Submissions (3):

Labcorp Genetics (formerly Invitae), Labcorp
Classification: Uncertain significance. Last evaluated: 2021-08-31. Review status: criteria provided, single submitter. Criteria: Invitae Variant Classification Sherloc (09022015). Collection method: clinical testing. Allele origin: germline.
Comment: This sequence change replaces leucine with proline at codon 4048 of the HSPG2 protein (p.Leu4048Pro). The leucine residue is moderately conserved and there is a moderate physicochemical difference between leucine and proline. This variant is not present in population databases (ExAC no frequency). This variant has not been reported in the literature in individuals affected with HSPG2-related conditions. ClinVar contains an entry for this variant (Variation ID: 876567). Algorithms developed to predict the effect of missense changes on protein structure and function are either unavailable or do not agree on the potential impact of this missense change (SIFT: "Tolerated"; PolyPhen-2: "Probably Damaging"; Align-GVGD: "Class C0"). In summary, the available evidence is currently insufficient to determine the role of this variant in disease. Therefore, it has been classified as a Variant of Uncertain Significance.

Illumina Laboratory Services, Illumina
Classification: Uncertain significance for Schwartz-Jampel syndrome type 1. Last evaluated: 2018-01-12. Review status: criteria provided, single submitter. Criteria: ICSL Variant Classification Criteria 13 December 2019. Collection method: clinical testing. Allele origin: germline.

Illumina Laboratory Services, Illumina
Classification: Uncertain significance for Lethal Kniest-like syndrome. Last evaluated: 2018-01-12. Review status: criteria provided, single submitter. Criteria: ICSL Variant Classification Criteria 13 December 2019. Collection method: clinical testing. Allele origin: germline.

NM_005529.7(HSPG2):c.12143T>C (p.Leu4048Pro)

Gene: HSPG2 (heparan sulfate proteoglycan 2; minus strand). Cytogenetic location: 1p36.12.
Variant type: single nucleotide variant.
Coding change: c.12143T>C on transcript NM_005529.7 (MANE Select); coding-DNA position 12143, T replaced by C.
Protein change: p.Leu4048Pro; replaces leucine 4048 with proline.
Molecular consequence: missense variant.
Genome position (GRCh38, 1-based): chr1:21,828,929, A>G on the plus strand (T>C on the coding strand, the complement: HSPG2 is on the minus strand). VCF-style: chr1-21828929-A-G. GRCh37 (hg19) VCF-style: chr1-22155422-A-G.
Other names: c.12146T>C, p.Leu4049Pro (NM_001291860.2); short protein forms L4048P, L4049P.
Identifiers: ClinVar variation 876567 (VCV000876567.8), dbSNP rs1368598061, ClinGen allele CA338901095.